The following is an entry in ClinVar:

ClinVar aggregate classification (germline): Uncertain significance. Review status: criteria provided, multiple submitters, no conflicts (2 of 4 stars). 2 submissions from 2 submitters: Uncertain significance (2). Last evaluated 2024-09-04.

Submissions (2):

Labcorp Genetics (formerly Invitae), Labcorp
Classification: Uncertain significance. Last evaluated: 2024-09-04. Review status: criteria provided, single submitter. Criteria: Invitae Variant Classification Sherloc (09022015). Collection method: clinical testing. Allele origin: germline.
Comment: This sequence change replaces arginine, which is basic and polar, with cysteine, which is neutral and slightly polar, at codon 232 of the GNAS protein (p.Arg232Cys). This variant is not present in population databases (gnomAD no frequency). This variant has not been reported in the literature in individuals affected with GNAS-related conditions. Invitae Evidence Modeling of protein sequence and biophysical properties (such as structural, functional, and spatial information, amino acid conservation, physicochemical variation, residue mobility, and thermodynamic stability) has been performed for this missense variant. However, the output from this modeling did not meet the statistical confidence thresholds required to predict the impact of this variant on GNAS protein function. In summary, the available evidence is currently insufficient to determine the role of this variant in disease. Therefore, it has been classified as a Variant of Uncertain Significance.

Blueprint Genetics
Classification: Uncertain significance. Last evaluated: 2020-11-05. Review status: criteria provided, single submitter. Criteria: ACMG Guidelines, 2015. Collection method: clinical testing. Allele origin: germline.

NM_000516.7(GNAS):c.694C>T (p.Arg232Cys)

Gene: GNAS (GNAS complex locus; plus strand). Cytogenetic location: 20q13.32.
Variant type: single nucleotide variant.
Coding change: c.694C>T on transcript NM_000516.7 (MANE Select); coding-DNA position 694, C replaced by T.
Protein change: p.Arg232Cys; replaces arginine 232 with cysteine.
Molecular consequence: missense variant. On other transcripts: 3 prime UTR variant (2).
Genome position (GRCh38, 1-based): chr20:58,909,555, C>T. VCF-style: chr20-58909555-C-T. GRCh37 (hg19) VCF-style: chr20-57484610-C-T.
Other names: c.697C>T, p.Arg233Cys (NM_001077488.5); c.649C>T, p.Arg217Cys (NM_001077489.4); c.*555C>T (NM_001077490.3); c.517C>T, p.Arg173Cys (NM_001309840.2, NM_001309861.2); c.598C>T, p.Arg200Cys (NM_001410912.1); c.2578C>T, p.Arg860Cys (NM_001410913.1); c.*600C>T (NM_016592.5); c.2623C>T, p.Arg875Cys (NM_080425.4); and 1 more; short protein forms R173C, R217C, R233C, R875C, R200C, R218C, R232C, R860C.
Identifiers: ClinVar variation 3690367 (VCV003690367.3).